The following is an entry in ClinVar:

ClinVar aggregate classification (germline): Uncertain significance. Review status: criteria provided, multiple submitters, no conflicts (2 of 4 stars). 2 submissions from 2 submitters: Uncertain significance (2). Last evaluated 2023-03-26.

Conditions:
Cardiomyopathy (CMYO). Also called: Cardiomyopathies. Identifiers: Orphanet 167848, MedGen C0878544, MONDO:0004994, HP:0001638. Inheritance: Various modes of inheritance.
Hypertrophic cardiomyopathy. Also called: HYPERTROPHIC MYOCARDIOPATHY. Identifiers: Orphanet 217569, MedGen C0007194, MeSH D002312, MONDO:0005045, HP:0001639.

Allele frequency attached by ClinVar (database versions not stated): TOPMed 0.00002; gnomAD exomes below 0.00001 and 0.00001; gnomAD 0.00001.
gnomAD v4.1: 9 of 1,592,210 alleles (0.00057%); highest among the groups gnomAD compares: South Asian, 0.0011%; no homozygotes.

Submissions (2):

Labcorp Genetics (formerly Invitae), Labcorp
Classification: Uncertain significance for Hypertrophic cardiomyopathy. Last evaluated: 2023-03-26. Review status: criteria provided, single submitter. Criteria: Invitae Variant Classification Sherloc (09022015). Collection method: clinical testing. Allele origin: germline.
Comment: In summary, the available evidence is currently insufficient to determine the role of this variant in disease. Therefore, it has been classified as a Variant of Uncertain Significance. An algorithm developed to predict the effect of missense changes on protein structure and function (PolyPhen-2) suggests that this variant is likely to be disruptive. ClinVar contains an entry for this variant (Variation ID: 921333). This missense change has been observed in individuals with hypertrophic cardiomyopathy (PMID: 28356264, 33782553). The frequency data for this variant in the population databases is considered unreliable, as metrics indicate poor data quality at this position in the gnomAD database. This sequence change replaces serine, which is neutral and polar, with asparagine, which is neutral and polar, at codon 406 of the MYBPC3 protein (p.Ser406Asn).

Color Diagnostics, LLC DBA Color Health
Classification: Uncertain significance for Cardiomyopathy. Last evaluated: 2019-02-11. Review status: criteria provided, single submitter. Criteria: ACMG Guidelines, 2015. Collection method: clinical testing. Allele origin: germline.
Comment: Variant of Uncertain Significance due to insufficient evidence: This missense variant replaces serine with asparagine at codon 406 of the MYBPC3 protein. Computational prediction tools and conservation analyses are inconclusive regarding the impact of this variant on the protein function. Computational splicing tools suggest that this variant may not impact RNA splicing. To our knowledge, functional assays have not been performed for this variant. This variant has been reported in an individual affected with hypertrophic cardiomyopathy (PMID: 25342278). This variant is rare in the general population and has been identified in 0/277264 chromosomes by the Genome Aggregation Database (gnomAD). Available evidence is insufficient to determine the role of this variant in disease conclusively.

Literature cited by the submitters: PubMed 28356264 (cited by Labcorp Genetics (formerly Invitae), Labcorp); PubMed 33782553 (cited by Labcorp Genetics (formerly Invitae), Labcorp).

NM_000256.3(MYBPC3):c.1217G>A (p.Ser406Asn)

Gene: MYBPC3 (myosin binding protein C3; minus strand). Cytogenetic location: 11p11.2.
Variant type: single nucleotide variant.
Coding change: c.1217G>A on transcript NM_000256.3 (MANE Select); coding-DNA position 1217, G replaced by A.
Protein change: p.Ser406Asn; replaces serine 406 with asparagine.
Molecular consequence: missense variant.
Genome position (GRCh38, 1-based): chr11:47,343,498, C>T on the plus strand (G>A on the coding strand, the complement: MYBPC3 is on the minus strand). VCF-style: chr11-47343498-C-T. GRCh37 (hg19) VCF-style: chr11-47365049-C-T.
Other names: short protein forms S406N.
Identifiers: ClinVar variation 921333 (VCV000921333.4), dbSNP rs1053965064, ClinGen allele CA221697573.
Genomic context (GRCh38, chr11:47,343,498, plus strand): 5'-GGCTATGGGGGTCCCCACCTCCACCCGAGCCCCCCTCCCCACCCCAGGCTGCACCTGCCG[C>T]TCATCTGGATCTCCTGGCCATTCTTGAGCCATTTGACCTCAGCGTCATGGTCAGCCAGTT-3'
Protein context (NP_000247.2, residues 396-416): WLKNGQEIQM[Ser406Asn]GSKYIFESIG